The following is an entry in ClinVar:

NM_019616.4(F7):c.225+1G>C

Gene: F7 (coagulation factor VII; plus strand). Cytogenetic location: 13q34.
Variant type: single nucleotide variant.
Coding change: c.225+1G>C on transcript NM_019616.4 (MANE Select); the canonical splice donor site of the intron after coding-DNA position 225, G replaced by C.
Molecular consequence: splice donor variant. On other transcripts: intron variant (1).
Genome position (GRCh38, 1-based): chr13:113,110,851, G>C. VCF-style: chr13-113110851-G-C. GRCh37 (hg19) VCF-style: chr13-113765165-G-C.
Other names: c.291+1G>C (NM_000131.5); c.65-2996G>C (NM_001267554.2).
Identifiers: ClinVar variation 1691295 (VCV001691295.30), dbSNP rs1566906827, ClinGen allele CA388781335.

ClinVar aggregate classification (germline): Pathogenic. Review status: criteria provided, multiple submitters, no conflicts (2 of 4 stars). 3 submissions from 3 submitters: Pathogenic (3). Last evaluated 2024-02-08.

Conditions:
Myocardial infarction, susceptibility to. Identifiers: MedGen C1832662, MONDO:0012039, OMIM 608446.
Congenital factor VII deficiency. Identifiers: Orphanet 327, MedGen C0272320, MONDO:0009211, OMIM 227500.

gnomAD v4.1: 2 of 1,558,366 alleles (0.00013%); highest among the groups gnomAD compares: South Asian, 0.0012%; no homozygotes.

Submissions (3):

Fulgent Genetics
Classification: Pathogenic for Congenital factor VII deficiency; Myocardial infarction, susceptibility to. Last evaluated: 2024-02-08. Review status: criteria provided, single submitter. Criteria: ACMG Guidelines, 2015. Collection method: clinical testing. Allele origin: germline.

CeGaT Center for Human Genetics Tuebingen
Classification: Pathogenic. Last evaluated: 2023-07-01. Review status: criteria provided, single submitter. Criteria: CeGaT Center For Human Genetics Tuebingen Variant Classification Criteria Version 2. Collection method: clinical testing. Allele origin: germline. Affected: yes. Observed: 1 variant allele.
Comment: F7: PVS1, PM2, PM3

Diagnostics Services (NGS), CSIR - Centre For Cellular And Molecular Biology
Classification: Pathogenic for Congenital factor VII deficiency. Last evaluated: 2022-04-13. Review status: criteria provided, single submitter. Criteria: ACMG Guidelines, 2015. Collection method: clinical testing. Allele origin: unknown. Inheritance: Autosomal recessive inheritance. Affected: yes. Observed: 1 variant allele, 1 heterozygote.
Comment: The c.291+1G>C variant is not present in publicly available population databases like 1000 Genomes, Exome Variant Server (EVS), Exome Aggregation Consortium (ExAC), Genome Aggregation Database (gnomAD) and Indian Exome Database. The variant is not present in our in-house exome database. The variant was previously identified in patients affected with Factor VII deficiency and reported Human Genome Mutation Database (HGMD ID: CS001421). Different algorithms to predict mRNA splicing abnormalities, predicted this variant to potentially affect splicing.

Literature cited by the submitters: PubMed 10862079 (cited by Diagnostics Services (NGS), CSIR - Centre For Cellular And Molecular Biology).